The following continues an entry in ClinVar:

NM_005055.5(RAPSN):c.264C>A (p.Asn88Lys)

Gene: RAPSN. ClinVar aggregate classification (germline): Pathogenic/Likely pathogenic. Pathogenic (39); Likely pathogenic (4).

Submissions 31 to 53 of 53:

Genetics and Molecular Pathology, SA Pathology
Classification: Pathogenic for Congenital myasthenic syndrome 11. Last evaluated: 2021-02-02. Review status: criteria provided, single submitter. Criteria: ACMG Guidelines, 2015. Collection method: clinical testing. Allele origin: germline. Inheritance: Autosomal recessive inheritance. Affected: yes.
Comment: The RAPSN c.264C>A variant is classified as a PATHOGENIC VARIANT (PS3, PS4, PP1, PP3, PP5) This variant is a single nucleotide change from a cytosine to an adenine at position 264 which is predicted to change the Asparagine at position 88 in the protein to Lysine. The variant is in exon 2 and is located in protein domain: tetratricopeptide repeat, of the RAPSN gene. This variant is a common pathogenic variant in the RAPSN gene causing congenital myasthenic syndrome (CMSs), and has been reported in many individuals with CMSs in both the homozygous or compound heterozygous state (PS4). Further, this variant has also been shown to segregate with disease in multiples families with CMSs (PP1) (PMID: 12796535, 16945936, 14504330). In vitro functional studies have demonstrated that this variant reduced the recruitment of the acetylcholine receptor (AChR) to rapsyn clusters, as well as impaired postsynaptic morphological development (PMID: 11791205, 16945936) (PS3). The variant is in dbSNP (rs104894299) and has been reported in population databases (gnomAD: 429/282254, 0 homozygote). The variant has been reported in ClinVar (Variation ID: 8046) and HGMD (Accession ID: CM020758) as pathogenic (PP5). Computational predictions support a deleterious effect on the gene or gene product (PP3).

Athena Diagnostics
Classification: Pathogenic. Last evaluated: 2019-06-21. Review status: criteria provided, single submitter. Criteria: Athena Diagnostics Criteria. Collection method: clinical testing. Allele origin: germline.
Comment: The best available variant frequency is more than 10 times the disease allele frequency, and is at least 0.1%. Statistically enriched in patients compared to ethnically matched controls. Found in at least one symptomatic patient. Predicted to have a damaging effect on the protein. Occurs in three or more cases with a recessive pathogenic variant in the same gene. Damaging to protein function(s) relevant to disease mechanism. Very strong co-segregation with disease in affected individuals from a single family.

Eurofins Ntd Llc (ga)
Classification: Pathogenic. Last evaluated: 2018-06-19. Review status: criteria provided, single submitter. Criteria: EGL ClinVar v180209 classification definitions. Collection method: clinical testing. Allele origin: germline. Observed: 8 variant alleles, 8 heterozygotes.

Genomic Research Center, Shahid Beheshti University of Medical Sciences
Classification: Likely pathogenic for Congenital myasthenic syndrome 11. Last evaluated: 2018-03-05. Review status: criteria provided, single submitter. Criteria: ACMG Guidelines, 2015. Collection method: clinical testing. Allele origin: inherited. Affected: yes. Observed: 1 variant allele.

Genomic Research Center, Shahid Beheshti University of Medical Sciences
Classification: Likely pathogenic for Fetal akinesia deformation sequence 1. Last evaluated: 2018-03-05. Review status: criteria provided, single submitter. Criteria: ACMG Guidelines, 2015. Collection method: clinical testing. Allele origin: inherited. Affected: yes. Observed: 1 variant allele.

Illumina Laboratory Services, Illumina
Classification: Pathogenic for Congenital myasthenic syndrome 11. Last evaluated: 2017-10-17. Review status: criteria provided, single submitter. Criteria: ICSL Variant Classification Criteria 09 May 2019. Collection method: clinical testing. Allele origin: germline.
Comment: The RAPSN c.264C>A (p.Asn88Lys) variant is a well-documented pathogenic missense variant for congenital myasthenic syndrome (CMS). To date, all patients with CMS who carry a variant in the RASPN gene carry the p.Asn88Lys variant on at least one allele (Richard et al. 2003). Across a selection of the available literature, the p.Asn88Lys variant is reported in 80 out of 216 patients, including in 31 homozygotes and 49 compound heterozygotes. The variant is also reported in three asymptomatic homozygous mothers of patients (Ohno et al. 2002; Burke et al. 2003; Muller et al. 2003; Richard et al. 2003; Maselli et al. 2003; Dunne et al. 2003; Muller et al. 2004; Skeie et al. 2006; Milone et al. 2009). The p.Asn88Lys variant was found in three of 720 total controls and is reported at a frequency of 0.00398 in the European population of the 1000 Genomes Project. Haplotype analysis suggests that the p.Asn88Lys variant may be derived from a single founder event in an ancient Indo-European population (Muller et al. 2004). The Asn88 residue is conserved (Ohno et al. 2002) and is located in a leucine zipper motif which is involved in acetylcholine receptor clustering (Dunne et al. 2003). Expression studies in HEK cells showed that the p.Asn88Lys variant significantly reduced the recruitment of the acetylcholine receptor to rapsyn clusters (Ohno et al. 2002). Based on the collective evidence, the p.Asn88Lys variant is classified as pathogenic for congenital myasthenic syndrome. This variant was observed by ICSL as part of a predisposition screen in an ostensibly healthy population.

Fulgent Genetics
Classification: Pathogenic for Fetal akinesia deformation sequence 1; Congenital myasthenic syndrome 11. Last evaluated: 2017-05-18. Review status: criteria provided, single submitter. Criteria: ACMG Guidelines, 2015. Collection method: clinical testing. Allele origin: unknown.

Centre for Mendelian Genomics, University Medical Centre Ljubljana
Classification: Pathogenic for Congenital myasthenic syndrome 11. Last evaluated: 2016-01-01. Review status: criteria provided, single submitter. Criteria: ACMG Guidelines, 2015. Collection method: clinical testing. Allele origin: unknown. Affected: yes.
Comment: This variant was classified as: Pathogenic. The following ACMG criteria were applied in classifying this variant: PS3,PM2,PS1,PP3.

Centre for Mendelian Genomics, University Medical Centre Ljubljana
Classification: Likely pathogenic for Myopathy. Last evaluated: 2015-05-05. Review status: criteria provided, single submitter. Criteria: ACMG Guidelines, 2015. Collection method: clinical testing. Allele origin: unknown. Affected: yes.

Center for Pediatric Genomic Medicine, Children's Mercy Hospital and Clinics
Classification: Pathogenic. Last evaluated: 2014-08-22. Review status: criteria provided, single submitter. Criteria: ACMG Guidelines, 2015. Collection method: clinical testing. Allele origin: germline.

Laboratory for Molecular Medicine, Mass General Brigham Personalized Medicine
Classification: Pathogenic for Myasthenic syndrome, congenital, associated with acetylcholine receptor deficiency. Last evaluated: 2014-01-17. Review status: criteria provided, single submitter. Criteria: LMM Criteria. Collection method: clinical testing. Allele origin: germline. Inheritance: Autosomal recessive inheritance. Observed: 1 variant allele. Study: CSER-MedSeq.
Comment: The Asn88Lys variant in RAPSN has been previously identified in many individuals with congenital myasthenic syndrome and has been shown to segregate with disease in several affected family members (Ohno 2002, Dunne 2003, Richard 2003, Muller 2003, Banwell 2004, Yasaki 2004, Muller 2004, Ioos 2004, Cossins 2006, Skeie 2006, Milone 2009, Brugoni 2010, Bell 2011, Alseth 2011). This variant has been identified in 0.01% (13/8596) of European American chromosomes by the NHLBI Exome Sequencing Project (dbSNP rs104894299). Although this variant has been seen in the general population, its frequency is low enough to be consistent with a recessive carrier frequency. Functional studies indicate the Asn88Lys variant results in reduced co-localization with the acetylcholine receptor (AChR) (Cossins 2006). In summary, this variant meets our criteria to be classified as pathogenic based upon segregation studies and functional evidence.

Baylor Genetics
Classification: Pathogenic for Congenital myasthenic syndrome 4C. Review status: criteria provided, single submitter. Criteria: ACMG Guidelines, 2015. Collection method: clinical testing. Allele origin: germline.

Clinical Genetics Service, Universitary Hospital 12 de Octubre
Classification: Pathogenic for Congenital myasthenic syndrome 11. Review status: criteria provided, single submitter. Criteria: ACMG Guidelines, 2015. Collection method: clinical testing. Allele origin: paternal. Affected: yes.

Undiagnosed Diseases Network, NIH
Classification: Pathogenic for Congenital myasthenic syndrome 11. Last evaluated: 2023-10-19. Review status: no assertion criteria provided. Collection method: clinical testing. Allele origin: maternal. Affected: yes. Observed: 1 variant allele, 1 compound heterozygote. Study: Undiagnosed Diseases Network (NIH), UDN. Not counted in ClinVar's aggregate classification.

Counsyl
Classification: Pathogenic for Fetal akinesia deformation sequence 1; Congenital myasthenic syndrome 11. Last evaluated: 2017-03-06. Review status: no assertion criteria provided. Collection method: clinical testing. Allele origin: unknown. Not counted in ClinVar's aggregate classification.

Division of Human Genetics, Children's Hospital of Philadelphia
Classification: Pathogenic for Congenital myasthenic syndrome 11; Fetal akinesia deformation sequence 1. Last evaluated: 2016-01-26. Review status: no assertion criteria provided. Collection method: research. Allele origin: germline. Study: CSER-PediSeq. Not counted in ClinVar's aggregate classification.

OMIM
Classification: Pathogenic for MYASTHENIC SYNDROME, CONGENITAL, 11, ASSOCIATED WITH ACETYLCHOLINE RECEPTOR DEFICIENCY. Last evaluated: 2006-12-26. Review status: no assertion criteria provided. Collection method: literature only. Allele origin: germline. Not counted in ClinVar's aggregate classification.

Clinical Genetics DNA and cytogenetics Diagnostics Lab, Erasmus MC, Erasmus Medical Center
Classification: Pathogenic. Review status: no assertion criteria provided. Collection method: clinical testing. Allele origin: germline. Affected: yes. Study: VKGL Data-share Consensus. Not counted in ClinVar's aggregate classification.

Diagnostic Laboratory, Department of Genetics, University Medical Center Groningen
Classification: Pathogenic. Review status: no assertion criteria provided. Collection method: clinical testing. Allele origin: germline. Affected: yes. Study: VKGL Data-share Consensus. Not counted in ClinVar's aggregate classification.

GeneReviews
No classification provided. Condition: Congenital myasthenic syndrome. Review status: no classification provided. Collection method: literature only. Allele origin: germline. Affected: yes. Not counted in ClinVar's aggregate classification.

Genome Diagnostics Laboratory, Amsterdam University Medical Center
Classification: Pathogenic. Review status: no assertion criteria provided. Collection method: clinical testing. Allele origin: germline. Affected: yes. Study: VKGL Data-share Consensus. Not counted in ClinVar's aggregate classification.

Joint Genome Diagnostic Labs from Nijmegen and Maastricht, Radboudumc and MUMC+
Classification: Pathogenic. Review status: no assertion criteria provided. Collection method: clinical testing. Allele origin: germline. Affected: yes. Study: VKGL Data-share Consensus. Not counted in ClinVar's aggregate classification.

Laboratory of Diagnostic Genome Analysis, Leiden University Medical Center (LUMC)
Classification: Pathogenic. Review status: no assertion criteria provided. Collection method: clinical testing. Allele origin: germline. Affected: yes. Study: VKGL Data-share Consensus. Not counted in ClinVar's aggregate classification.

Literature cited by the submitters: PubMed 12796535 (cited by 10 submitters); PubMed 14504330 (cited by 7 submitters); PubMed 16945936 (cited by 10 submitters); PubMed 27397848 (cited by Dasa); PubMed 12807980 (cited by 8 submitters); PubMed 15252722 (cited by Dasa); PubMed 31549961 (cited by Dasa); PubMed 11791205 (cited by 12 submitters); PubMed 12929188 (cited by 4 submitters); PubMed 15286164 (cited by 5 submitters); PubMed 22678886 (cited by Variantyx, Inc. and Women's Health and Genetics/Laboratory Corporation of America, LabCorp); PubMed 30266223 (cited by Mayo Clinic Laboratories, Mayo Clinic and Athena Diagnostics); PubMed 29054425 (cited by Victorian Clinical Genetics Services, Murdoch Childrens Research Institute and Athena Diagnostics); PubMed 12730725 (cited by 6 submitters); PubMed 19620612 (cited by 3 submitters); PubMed 20301347 (cited by Ambry Genetics); PubMed 21305573 (cited by 3 submitters); PubMed 15036330 (cited by Athena Diagnostics and Laboratory for Molecular Medicine, Mass General Brigham Personalized Medicine); PubMed 20157724 (cited by 3 submitters); PubMed 25194721 (cited by Athena Diagnostics and Division of Human Genetics, Children's Hospital of Philadelphia); PubMed 26927095 (cited by Athena Diagnostics); PubMed 24319099 (cited by Athena Diagnostics and Division of Human Genetics, Children's Hospital of Philadelphia); PubMed 29053879 (cited by Athena Diagnostics); PubMed 29189923 (cited by Athena Diagnostics); PubMed 15482960 (cited by 4 submitters); PubMed 17190963 (cited by 4 submitters); PubMed 14659409 (cited by Athena Diagnostics and Laboratory for Molecular Medicine, Mass General Brigham Personalized Medicine); PubMed 26782015 (cited by Athena Diagnostics); PubMed 26910802 (cited by Athena Diagnostics); PubMed 20562457 (cited by Athena Diagnostics); PubMed 25264167 (cited by Athena Diagnostics); PubMed 30124556 (cited by Athena Diagnostics); PubMed 20930056 (cited by Eurofins Ntd Llc (ga)); PubMed 15328566 (cited by Laboratory for Molecular Medicine, Mass General Brigham Personalized Medicine); PubMed 21228398 (cited by Division of Human Genetics, Children's Hospital of Philadelphia); PubMed 14729848 (cited by GeneReviews); PubMed 12651869 (cited by GeneReviews); NCBI Bookshelf NBK1168 (cited by GeneReviews).